The following is an entry in ClinVar:

ClinVar aggregate classification (germline): Likely benign. Review status: criteria provided, multiple submitters, no conflicts (2 of 4 stars). 2 submissions from 2 submitters: Likely benign (2). Last evaluated 2025-03-26.

Conditions:
Peutz-Jeghers syndrome (PJS). Also called: POLYPOSIS, HAMARTOMATOUS INTESTINAL; POLYPS-AND-SPOTS SYNDROME; Peutz-Jeghers polyposis; Periorificial lentiginosis syndrome. Identifiers: Orphanet 2869, MedGen C0031269, MeSH D010580, MONDO:0008280, OMIM 175200.

gnomAD v4.1: 1 of 1,592,208 alleles (0.000063%); no homozygotes.

Submissions (2):

Myriad Genetics, Inc.
Classification: Likely benign for Peutz-Jeghers syndrome. Last evaluated: 2025-03-26. Review status: criteria provided, single submitter. Criteria: Myriad Autosomal Dominant, Autosomal Recessive and X-Linked Classification Criteria (2023). Collection method: clinical testing. Allele origin: unknown.
Comment: This variant is considered likely benign. This variant is intronic and is not expected to impact mRNA splicing.

Labcorp Genetics (formerly Invitae), Labcorp
Classification: Likely benign for Peutz-Jeghers syndrome. Last evaluated: 2025-01-06. Review status: criteria provided, single submitter. Criteria: Invitae Variant Classification Sherloc (09022015). Collection method: clinical testing. Allele origin: germline.

NM_000455.5(STK11):c.465-19G>C

Gene: STK11 (serine/threonine kinase 11; plus strand). Cytogenetic location: 19p13.3.
Variant type: single nucleotide variant.
Coding change: c.465-19G>C on transcript NM_000455.5 (MANE Select); 19 bases into the intron before coding-DNA position 465, G replaced by C.
Molecular consequence: intron variant.
Genome position (GRCh38, 1-based): chr19:1,220,354, G>C. VCF-style: chr19-1220354-G-C. GRCh37 (hg19) VCF-style: chr19-1220353-G-C.
Other names: c.465-19G>C (NM_001407255.1).
Identifiers: ClinVar variation 2910621 (VCV002910621.4), dbSNP rs776367814, ClinGen allele CA631032478.